The following is an entry in ClinVar:

NM_007294.4(BRCA1):c.5272A>C (p.Arg1758=)

Gene: BRCA1 (BRCA1 DNA repair associated; minus strand). Cytogenetic location: 17q21.31.
Variant type: single nucleotide variant.
Coding change: c.5272A>C on transcript NM_007294.4 (MANE Select); coding-DNA position 5272, A replaced by C.
Protein change: p.Arg1758=; no amino-acid change (arginine 1758 retained).
Molecular consequence: synonymous variant.
Genome position (GRCh38, 1-based): chr17:43,057,057, T>G on the plus strand (A>C on the coding strand, the complement: BRCA1 is on the minus strand). VCF-style: chr17-43057057-T-G. GRCh37 (hg19) VCF-style: chr17-41209074-T-G.
Other names: c.5059A>C, p.Arg1687= (NM_001407571.1, NM_001407894.1, NM_001407895.1 and 12 more transcripts); c.5338A>C, p.Arg1780= (NM_001407581.1, NM_001407582.1); c.5335A>C, p.Arg1779= (NM_001407583.1, NM_001407585.1, NM_001407587.1 and 1 more transcripts); c.5332A>C, p.Arg1778= (NM_001407590.1, NM_001407591.1); c.5272A>C, p.Arg1758= (NM_001407593.1, NM_001407594.1, NM_001407596.1 and 7 more transcripts); c.5269A>C, p.Arg1757= (NM_001407610.1, NM_001407611.1, NM_001407612.1 and 17 more transcripts); c.5266A>C, p.Arg1756= (NM_001407627.1, NM_001407628.1, NM_001407629.1 and 14 more transcripts); c.5263A>C, p.Arg1755= (NM_001407644.1, NM_001407645.1); and 72 more.
Identifiers: ClinVar variation 867301 (VCV000867301.3), dbSNP rs1597810455, ClinGen allele CA500144484.

Conditions:
Breast-ovarian cancer, familial, susceptibility to, 1 (BROVCA1). Also called: BRCA1 Hereditary Breast and Ovarian Cancer; OVARIAN CANCER, SUSCEPTIBILITY TO. Identifiers: Orphanet 145, MedGen C2676676, MONDO:0011450, OMIM 604370. Disease mechanism: loss of function.

Submission:

Brotman Baty Institute, University of Washington
No classification provided (evidence only). Condition: Breast-ovarian cancer, familial 1. Review status: no classification provided. Collection method: in vitro. Allele origin: not applicable. Functional consequence: functionally_normal.
ClinVar note: "not provided" was previously submitted as the classification for the variant. However, the classification appeared to be based only on an observation of functional data so it was converted to no classification on 2025-07-30.